The following is an entry in ClinVar:

ClinVar aggregate classification (germline): Uncertain significance (1 of 4 stars; one submission).

gnomAD v4.1: 4 of 1,614,120 alleles (0.00025%); highest among the groups gnomAD compares: Non-Finnish European, 0.00034%; no homozygotes.

Submission:

Labcorp Genetics (formerly Invitae), Labcorp
Classification: Uncertain significance. Last evaluated: 2025-11-02. Review status: criteria provided, single submitter. Criteria: Invitae Variant Classification Sherloc (09022015). Collection method: clinical testing. Allele origin: germline.
Comment: This sequence change replaces leucine, which is neutral and non-polar, with valine, which is neutral and non-polar, at codon 123 of the MRAS protein (p.Leu123Val). This variant is not present in population databases (gnomAD no frequency). This variant has not been reported in the literature in individuals affected with MRAS-related conditions. An algorithm developed to predict the effect of missense changes on protein structure and function (PolyPhen-2) suggests that this variant is likely to be tolerated. In summary, the available evidence is currently insufficient to determine the role of this variant in disease. Therefore, it has been classified as a Variant of Uncertain Significance.

NM_001085049.3(MRAS):c.367C>G (p.Leu123Val)

Gene: MRAS (muscle RAS oncogene homolog; plus strand). Cytogenetic location: 3q22.3.
Variant type: single nucleotide variant.
Coding change: c.367C>G on transcript NM_001085049.3 (MANE Select); coding-DNA position 367, C replaced by G.
Protein change: p.Leu123Val; replaces leucine 123 with valine.
Molecular consequence: missense variant.
Genome position (GRCh38, 1-based): chr3:138,398,488, C>G. VCF-style: chr3-138398488-C-G. GRCh37 (hg19) VCF-style: chr3-138117330-C-G.
Other names: c.367C>G, p.Leu123Val (NM_001252090.2, NM_012219.4); c.139C>G, p.Leu47Val (NM_001252091.1, NM_001252092.2, NM_001252093.2); short protein forms L123V, L47V.
Identifiers: ClinVar variation 4764183 (VCV004764183.1).